The following is an entry in ClinVar:

NM_000219.6(KCNE1):c.128A>G (p.Glu43Gly)

Gene: KCNE1 (potassium voltage-gated channel subfamily E regulatory subunit 1; minus strand). Cytogenetic location: 21q22.12.
Variant type: single nucleotide variant.
Coding change: c.128A>G on transcript NM_000219.6 (MANE Select); coding-DNA position 128, A replaced by G.
Protein change: p.Glu43Gly; replaces glutamic acid 43 with glycine.
Molecular consequence: missense variant.
Genome position (GRCh38, 1-based): chr21:34,449,507, T>C on the plus strand (A>G on the coding strand, the complement: KCNE1 is on the minus strand). VCF-style: chr21-34449507-T-C. GRCh37 (hg19) VCF-style: chr21-35821805-T-C.
Other names: c.128A>G, p.Glu43Gly (NM_001127668.4, NM_001127669.4, NM_001127670.4 and 4 more transcripts); short protein forms E43G.
Identifiers: ClinVar variation 3374119 (VCV003374119.2).
Genomic context (GRCh38, chr21:34,449,507, plus strand): 5'-AGCATGATGCCCAGGGTGAAGAAGCCGAAGAATCCCAGTACCATGAGGACGTAGAGGGCC[T>C]CCAGCTTGCCGTCACTGCTGCGGGGGGACCTGCGGGCCAGGCCCGACATGTTGCCACCCT-3'
Protein context (NP_000210.2, residues 33-53): RSPRSSDGKL[Glu43Gly]ALYVLMVLGF

Conditions:
Long QT syndrome 5 (LQT5). Identifiers: Orphanet 101016, Orphanet 768, MedGen C1867904, MONDO:0013372, OMIM 613695.

Submission:

Roden Lab, Vanderbilt University Medical Center
No classification provided (evidence only). Condition: Long QT syndrome 5. Review status: no classification provided. Collection method: in vitro. Allele origin: not applicable. Functional consequence: Effect on ion channel function.
ClinVar note: "not provided" was previously submitted as the classification for the variant. However, the classification appeared to be based only on an observation of functional data so it was converted to no classification on 2025-07-30.